The following is an entry in ClinVar:

ClinVar aggregate classification (germline): Uncertain significance (1 of 4 stars; one submission).

Allele frequency attached by ClinVar (database versions not stated): gnomAD exomes 0.00001; gnomAD 0.00003 and 0.00004; TOPMed 0.00003.
gnomAD v4.1: 10 of 1,589,512 alleles (0.00063%); highest among the groups gnomAD compares: African/African-American, 0.012%; no homozygotes.

Submission:

Labcorp Genetics (formerly Invitae), Labcorp
Classification: Uncertain significance. Last evaluated: 2022-08-19. Review status: criteria provided, single submitter. Criteria: Invitae Variant Classification Sherloc (09022015). Collection method: clinical testing. Allele origin: germline.
Comment: This sequence change replaces alanine, which is neutral and non-polar, with serine, which is neutral and polar, at codon 185 of the NEUROG3 protein (p.Ala185Ser). The frequency data for this variant in the population databases is considered unreliable, as metrics indicate poor data quality at this position in the gnomAD database. This variant has not been reported in the literature in individuals affected with NEUROG3-related conditions. ClinVar contains an entry for this variant (Variation ID: 1492505). Algorithms developed to predict the effect of missense changes on protein structure and function (SIFT, PolyPhen-2, Align-GVGD) all suggest that this variant is likely to be tolerated. Experimental studies have shown that this missense change does not substantially affect NEUROG3 function (PMID: 18093211). In summary, the available evidence is currently insufficient to determine the role of this variant in disease. Therefore, it has been classified as a Variant of Uncertain Significance.

Literature cited by the submitters: PubMed 18093211.

NM_020999.4(NEUROG3):c.553G>T (p.Ala185Ser)

Gene: NEUROG3 (neurogenin 3; minus strand). Cytogenetic location: 10q22.1.
Variant type: single nucleotide variant.
Coding change: c.553G>T on transcript NM_020999.4 (MANE Select); coding-DNA position 553, G replaced by T.
Protein change: p.Ala185Ser; replaces alanine 185 with serine.
Molecular consequence: missense variant.
Genome position (GRCh38, 1-based): chr10:69,572,491, C>A on the plus strand (G>T on the coding strand, the complement: NEUROG3 is on the minus strand). VCF-style: chr10-69572491-C-A. GRCh37 (hg19) VCF-style: chr10-71332247-C-A.
Other names: short protein forms A185S.
Identifiers: ClinVar variation 1492505 (VCV001492505.5), dbSNP rs866205996, ClinGen allele CA209280257.